The following is an entry in ClinVar:

NM_144997.7(FLCN):c.1589A>T (p.Glu530Val)

Gene: FLCN (folliculin; minus strand). Cytogenetic location: 17p11.2.
Variant type: single nucleotide variant.
Coding change: c.1589A>T on transcript NM_144997.7 (MANE Select); coding-DNA position 1589, A replaced by T.
Protein change: p.Glu530Val; replaces glutamic acid 530 with valine.
Molecular consequence: missense variant.
Genome position (GRCh38, 1-based): chr17:17,213,806, T>A on the plus strand (A>T on the coding strand, the complement: FLCN is on the minus strand). VCF-style: chr17-17213806-T-A. GRCh37 (hg19) VCF-style: chr17-17117120-T-A.
Other names: c.1643A>T, p.Glu548Val (NM_001353229.2); c.1589A>T, p.Glu530Val (NM_001353230.2, NM_001353231.2); short protein forms E530V, E548V.
Identifiers: ClinVar variation 2905593 (VCV002905593.3), dbSNP rs2144811512, ClinGen allele CA398530424.

ClinVar aggregate classification (germline): Uncertain significance (1 of 4 stars; one submission).

Conditions:
Birt-Hogg-Dube syndrome. Also called: Birt Hogg Dubé syndrome. Identifiers: Orphanet 122, MedGen C0346010, MONDO:0800444.

Submission:

Labcorp Genetics (formerly Invitae), Labcorp
Classification: Uncertain significance for Birt-Hogg-Dube syndrome. Last evaluated: 2023-07-08. Review status: criteria provided, single submitter. Criteria: Invitae Variant Classification Sherloc (09022015). Collection method: clinical testing. Allele origin: germline.
Comment: In summary, the available evidence is currently insufficient to determine the role of this variant in disease. Therefore, it has been classified as a Variant of Uncertain Significance. Advanced modeling of protein sequence and biophysical properties (such as structural, functional, and spatial information, amino acid conservation, physicochemical variation, residue mobility, and thermodynamic stability) has been performed at Invitae for this missense variant, however the output from this modeling did not meet the statistical confidence thresholds required to predict the impact of this variant on FLCN protein function. This variant has not been reported in the literature in individuals affected with FLCN-related conditions. This variant is not present in population databases (gnomAD no frequency). This sequence change replaces glutamic acid, which is acidic and polar, with valine, which is neutral and non-polar, at codon 530 of the FLCN protein (p.Glu530Val).